The following is an entry in ClinVar:

ClinVar aggregate classification (germline): Uncertain significance. Review status: criteria provided, multiple submitters, no conflicts (2 of 4 stars). 7 submissions from 7 submitters: Uncertain significance (5). 2 of the submissions do not count toward it. Last evaluated 2026-02-01.

Conditions:
Cohen syndrome (COH1). Also called: Cutis verticis gyrata, retinitis pigmentosa, and sensorineural deafness; PEPPER SYNDROME. Identifiers: Orphanet 193, MedGen C0265223, MONDO:0008999, OMIM 216550.
VPS13B-related disorder. Also called: VPS13B-related condition.
Inborn genetic diseases. Identifiers: MedGen C0950123, MeSH D030342.

Allele frequency attached by ClinVar (database versions not stated): gnomAD 0.00004; TOPMed 0.00004; gnomAD exomes 0.00006 and 0.00008; ExAC 0.00007; ESP Exome Variant Server 0.00008.
gnomAD v4.1: 90 of 1,613,536 alleles (0.0056%); highest among the groups gnomAD compares: Non-Finnish European, 0.0071%; no homozygotes.

Submissions (7):

CeGaT Center for Human Genetics Tuebingen
Classification: Uncertain significance. Last evaluated: 2026-02-01. Review status: criteria provided, single submitter. Criteria: CeGaT Center For Human Genetics Tuebingen Variant Classification Criteria Version 2. Collection method: clinical testing. Allele origin: germline. Affected: yes. Observed: 1 variant allele.

Ambry Genetics
Classification: Uncertain significance for Inborn genetic diseases. Last evaluated: 2025-06-29. Review status: criteria provided, single submitter. Criteria: Ambry Variant Classification Scheme 2023. Collection method: clinical testing. Allele origin: germline.

GeneDx
Classification: Uncertain significance. Last evaluated: 2024-06-23. Review status: criteria provided, single submitter. Criteria: GeneDx Variant Classification Process June 2021. Collection method: clinical testing. Allele origin: germline. Affected: yes.
Comment: Not observed at significant frequency in large population cohorts (gnomAD); In silico analysis indicates that this missense variant does not alter protein structure/function; Has not been previously published as pathogenic or benign to our knowledge

St. Jude Molecular Pathology, St. Jude Children's Research Hospital
Classification: Uncertain significance for Cohen syndrome. Last evaluated: 2023-06-26. Review status: criteria provided, single submitter. Criteria: St. Jude Assertion Criteria 2020. Collection method: clinical testing. Allele origin: germline.
Comment: The VPS13B c.1627A>G (p.Thr543Ala) missense change has a maximum subpopulation frequency of 0.015% in gnomAD v2.1.1. The in silico tool REVEL is inconclusive about a pathogenic or benign effect of this variant on protein function, and to our knowledge functional studies have not been performed. To our knowledge, this variant has not been reported in individuals with Cohen syndrome. In summary, the evidence currently available is insufficient to determine the clinical significance of this variant. It has therefore been classified as of uncertain significance.

Labcorp Genetics (formerly Invitae), Labcorp
Classification: Uncertain significance for Cohen syndrome. Last evaluated: 2022-09-01. Review status: criteria provided, single submitter. Criteria: Invitae Variant Classification Sherloc (09022015). Collection method: clinical testing. Allele origin: germline.
Comment: This sequence change replaces threonine, which is neutral and polar, with alanine, which is neutral and non-polar, at codon 543 of the VPS13B protein (p.Thr543Ala). This variant is present in population databases (rs372625091, gnomAD 0.01%). This variant has not been reported in the literature in individuals affected with VPS13B-related conditions. ClinVar contains an entry for this variant (Variation ID: 430203). Algorithms developed to predict the effect of missense changes on protein structure and function are either unavailable or do not agree on the potential impact of this missense change (SIFT: "Not Available"; PolyPhen-2: "Possibly Damaging"; Align-GVGD: "Not Available"). In summary, the available evidence is currently insufficient to determine the role of this variant in disease. Therefore, it has been classified as a Variant of Uncertain Significance.

PreventionGenetics, part of Exact Sciences
Classification: Uncertain significance for VPS13B-related condition. Last evaluated: 2024-05-13. Review status: no assertion criteria provided. Collection method: clinical testing. Allele origin: germline. Not counted in ClinVar's aggregate classification.
Comment: The VPS13B c.1627A>G variant is predicted to result in the amino acid substitution p.Thr543Ala. To our knowledge, this variant has not been reported in the literature. This variant is reported in 0.015% of alleles in individuals of European (Non-Finnish) descent in gnomAD. At this time, the clinical significance of this variant is uncertain due to the absence of conclusive functional and genetic evidence.

Natera, Inc.
Classification: Uncertain significance for Cohen syndrome. Last evaluated: 2020-09-16. Review status: no assertion criteria provided. Collection method: clinical testing. Allele origin: germline. Not counted in ClinVar's aggregate classification.

NM_152564.5(VPS13B):c.1627A>G (p.Thr543Ala)

Gene: VPS13B (vacuolar protein sorting 13 homolog B; plus strand). Cytogenetic location: 8q22.2.
Variant type: single nucleotide variant.
Coding change: c.1627A>G on transcript NM_152564.5 (MANE Select); coding-DNA position 1627, A replaced by G.
Protein change: p.Thr543Ala; replaces threonine 543 with alanine.
Molecular consequence: missense variant.
Genome position (GRCh38, 1-based): chr8:99,136,728, A>G. VCF-style: chr8-99136728-A-G. GRCh37 (hg19) VCF-style: chr8-100148956-A-G.
Other names: c.1627A>G, p.Thr543Ala (NM_015243.3, NM_017890.5); c.1627A>G (NM_152564.4); short protein forms T543A.
Identifiers: ClinVar variation 430203 (VCV000430203.19), dbSNP rs372625091, ClinGen allele CA4822688.